The following is an entry in ClinVar:

ClinVar aggregate classification (germline): Uncertain significance (1 of 4 stars; one submission).

Conditions:
Arrhythmogenic cardiomyopathy with wooly hair and keratoderma. Also called: Carvajal syndrome; PALMOPLANTAR KERATODERMA WITH LEFT VENTRICULAR CARDIOMYOPATHY AND WOOLLY HAIR; Dilated cardiomyopathy with woolly hair and keratoderma; Arrhythmogenic cardiomyopathy with woolly hair and keratoderma. Identifiers: Orphanet 65282, MedGen C1854063, MONDO:0011581, OMIM 605676.

Submission:

All of Us Research Program, National Institutes of Health
Classification: Uncertain significance for Arrhythmogenic cardiomyopathy with wooly hair and keratoderma. Last evaluated: 2023-02-24. Review status: criteria provided, single submitter. Criteria: ACMG Guidelines, 2015. Collection method: clinical testing. Allele origin: germline. Inheritance: Autosomal dominant inheritance. Observed: 1 variant allele, 1 heterozygote.
Comment: This missense variant replaces serine with phenylalanine at codon 2833 of the DSP protein. Computational prediction suggests that this variant may not impact protein structure and function (internally defined REVEL score threshold <= 0.5, PMID: 27666373). To our knowledge, functional studies have not been reported for this variant. This variant has not been reported in individuals affected with DSP-related disorders in the literature. This variant has not been identified in the general population by the Genome Aggregation Database (gnomAD). The available evidence is insufficient to determine the role of this variant in disease conclusively. Therefore, this variant is classified as a Variant of Uncertain Significance.

This study involves interpretation of variants in research participants for the purpose of population health screening. Participant phenotype was not available at the time of variant classification. Additional details can be found in publication PMID: 35346344, PMCID: PMC8962531

NM_004415.4(DSP):c.8498C>T (p.Ser2833Phe)

Gene: DSP (desmoplakin; plus strand). Cytogenetic location: 6p24.3.
Variant type: single nucleotide variant.
Coding change: c.8498C>T on transcript NM_004415.4 (MANE Select); coding-DNA position 8498, C replaced by T.
Protein change: p.Ser2833Phe; replaces serine 2833 with phenylalanine.
Molecular consequence: missense variant.
Genome position (GRCh38, 1-based): chr6:7,585,760, C>T. VCF-style: chr6-7585760-C-T. GRCh37 (hg19) VCF-style: chr6-7585993-C-T.
Other names: c.6701C>T, p.Ser2234Phe (NM_001008844.3); c.7169C>T, p.Ser2390Phe (NM_001319034.2); short protein forms S2234F, S2390F, S2833F.
Identifiers: ClinVar variation 3069572 (VCV003069572.1), dbSNP rs767961179, ClinGen allele CA362695265.